The following is an entry in ClinVar:

ClinVar aggregate classification (germline): Pathogenic/Likely pathogenic. Review status: criteria provided, multiple submitters, no conflicts (2 of 4 stars). 3 submissions from 3 submitters: Pathogenic (1); Likely pathogenic (2). Last evaluated 2025-10-23.

Conditions:
Mitochondrial complex I deficiency, nuclear type 16. Also called: Mitochondrial complex 1 deficiency, nuclear type 16. Identifiers: MedGen C4748785, MONDO:0032621, OMIM 618238.
Mitochondrial complex I deficiency. Also called: NADH:Q(1) OXIDOREDUCTASE DEFICIENCY. Identifiers: Orphanet 2609, MedGen C1838979, MeSH C537475, MONDO:0100133.

Allele frequency attached by ClinVar (database versions not stated): gnomAD exomes below 0.00001; TOPMed 0.00002.

Submissions (3):

Natera, Inc.
Classification: Likely pathogenic for Mitochondrial complex I deficiency. Last evaluated: 2025-10-23. Review status: criteria provided, single submitter. Criteria: Natera Variant Classification Schema (03/2026). Collection method: clinical testing. Allele origin: germline.
Comment: The c.408dup variant in NDUFAF5 is a frameshift variant predicted to shift the reading frame beginning at codon 137 and leads to a stop codon 5 codons downstream. This variant is expected to result in nonsense mediated decay, truncation, or a dysfunctional protein product. This variant is rare in the general population with a frequency below the threshold expected for the associated phenotype(s). Given the available evidence, this variant is classified as Likely Pathogenic.

Labcorp Genetics (formerly Invitae), Labcorp
Classification: Pathogenic. Last evaluated: 2023-12-23. Review status: criteria provided, single submitter. Criteria: Invitae Variant Classification Sherloc (09022015). Collection method: clinical testing. Allele origin: germline.
Comment: This sequence change creates a premature translational stop signal (p.Ser137Glnfs*5) in the NDUFAF5 gene. It is expected to result in an absent or disrupted protein product. Loss-of-function variants in NDUFAF5 are known to be pathogenic (PMID: 26275793, 30473481, 32918965). This variant is present in population databases (no rsID available, gnomAD 0.007%). This variant has not been reported in the literature in individuals affected with NDUFAF5-related conditions. ClinVar contains an entry for this variant (Variation ID: 2154677). For these reasons, this variant has been classified as Pathogenic.

Baylor Genetics
Classification: Likely pathogenic for Mitochondrial complex I deficiency, nuclear type 16. Last evaluated: 2023-11-13. Review status: criteria provided, single submitter. Criteria: ACMG Guidelines, 2015. Collection method: clinical testing. Allele origin: unknown.

Literature cited by the submitters: PubMed 26275793 (cited by Labcorp Genetics (formerly Invitae), Labcorp); PubMed 30473481 (cited by Labcorp Genetics (formerly Invitae), Labcorp); PubMed 32918965 (cited by Labcorp Genetics (formerly Invitae), Labcorp).

NM_024120.5(NDUFAF5):c.408dup (p.Ser137fs)

Gene: NDUFAF5 (NADH:ubiquinone oxidoreductase complex assembly factor 5; plus strand). Cytogenetic location: 20p12.1.
Variant type: Duplication.
Coding change: c.408dup on transcript NM_024120.5 (MANE Select); coding-DNA position 408, one base duplicated (C; older notation c.408dupC).
Protein change: p.Ser137fs; shifts the reading frame from serine 137.
Molecular consequence: frameshift variant. On other transcripts: 5 prime UTR variant (2), non-coding transcript variant (5), intron variant (2).
Genome position (GRCh38, 1-based): chr20:13,794,870, C duplicated. VCF-style (leftmost placement, unchanged base first): chr20-13794869-T-TC. GRCh37 (hg19) VCF-style: chr20-13775515-T-TC.
Other names: c.-154dup (NM_001352406.2, NM_001352407.2); c.408dup, p.Ser137fs (NM_001352408.2); c.395+1643dup (NM_001039375.3); c.8+1643dup (NM_001352403.2); c.408dup (NM_024120.4); short protein forms S137fs.
Identifiers: ClinVar variation 2154677 (VCV002154677.7), dbSNP rs1305602800, ClinGen allele CA634465934.
Genomic context (GRCh38, chr20:13,794,869, plus strand): 5'-ATTTTGATCTTTCGTTTTCTTAACATTAGAAAAATTCCTCAGAAACAGAAATACCTACTG[T>TC]CAGCGTTTTAGCTGATGAAGAATTCCTTCCCTTCAAAGAAAATACATTTGACCTGGTGGT-3'